The following is an entry in ClinVar:

NM_203446.3(SYNJ1):c.444C>T (p.Ser148=)

Gene: SYNJ1 (synaptojanin 1; minus strand). Cytogenetic location: 21q22.11.
Variant type: single nucleotide variant.
Coding change: c.444C>T on transcript NM_203446.3 (MANE Select); coding-DNA position 444, C replaced by T.
Protein change: p.Ser148=; no amino-acid change (serine 148 retained).
Molecular consequence: synonymous variant.
Genome position (GRCh38, 1-based): chr21:32,699,873, G>A on the plus strand (C>T on the coding strand, the complement: SYNJ1 is on the minus strand). VCF-style: chr21-32699873-G-A. GRCh37 (hg19) VCF-style: chr21-34072183-G-A.
Other names: c.444C>T, p.Ser148= (NM_001160302.2, NM_001160306.2); c.561C>T, p.Ser187= (NM_003895.4).
Identifiers: ClinVar variation 3389958 (VCV003389958.14).

ClinVar aggregate classification (germline): Likely benign (1 of 4 stars; one submission).

Submission:

CeGaT Center for Human Genetics Tuebingen
Classification: Likely benign. Last evaluated: 2024-10-01. Review status: criteria provided, single submitter. Criteria: CeGaT Center For Human Genetics Tuebingen Variant Classification Criteria Version 2. Collection method: clinical testing. Allele origin: germline. Affected: yes. Observed: 1 variant allele.
Comment: SYNJ1: PM2:Supporting, BP4, BP7